The following is an entry in ClinVar:

NM_001039348.3(EFEMP1):c.1183T>C (p.Tyr395His)

Gene: EFEMP1 (EGF-like fibulin extracellular matrix protein 1; minus strand). Cytogenetic location: 2p16.1.
Variant type: single nucleotide variant.
Coding change: c.1183T>C on transcript NM_001039348.3 (MANE Select); coding-DNA position 1183, T replaced by C.
Protein change: p.Tyr395His; replaces tyrosine 395 with histidine.
Molecular consequence: missense variant.
Genome position (GRCh38, 1-based): chr2:55,870,857, A>G on the plus strand (T>C on the coding strand, the complement: EFEMP1 is on the minus strand). VCF-style: chr2-55870857-A-G. GRCh37 (hg19) VCF-style: chr2-56097992-A-G.
Other names: c.1183T>C, p.Tyr395His (NM_001039349.3); short protein forms Y395H.
Identifiers: ClinVar variation 2986210 (VCV002986210.3), dbSNP rs2465731982, ClinGen allele CA347028112.

ClinVar aggregate classification (germline): Uncertain significance (1 of 4 stars; one submission).

gnomAD v4.1: 1 of 1,613,822 alleles (0.000062%); highest among the groups gnomAD compares: Non-Finnish European, 0.000085%; no homozygotes.

Submission:

Labcorp Genetics (formerly Invitae), Labcorp
Classification: Uncertain significance. Last evaluated: 2023-01-02. Review status: criteria provided, single submitter. Criteria: Invitae Variant Classification Sherloc (09022015). Collection method: clinical testing. Allele origin: germline.
Comment: In summary, the available evidence is currently insufficient to determine the role of this variant in disease. Therefore, it has been classified as a Variant of Uncertain Significance. Advanced modeling of protein sequence and biophysical properties (such as structural, functional, and spatial information, amino acid conservation, physicochemical variation, residue mobility, and thermodynamic stability) performed at Invitae indicates that this missense variant is not expected to disrupt EFEMP1 protein function. This variant has not been reported in the literature in individuals affected with EFEMP1-related conditions. This variant is not present in population databases (gnomAD no frequency). This sequence change replaces tyrosine, which is neutral and polar, with histidine, which is basic and polar, at codon 395 of the EFEMP1 protein (p.Tyr395His).